The following is an entry in ClinVar:

NM_001040142.2(SCN2A):c.4949T>C (p.Leu1650Pro)

Gene: SCN2A (sodium voltage-gated channel alpha subunit 2; plus strand). Cytogenetic location: 2q24.3.
Variant type: single nucleotide variant.
Coding change: c.4949T>C on transcript NM_001040142.2 (MANE Select); coding-DNA position 4949, T replaced by C.
Protein change: p.Leu1650Pro; replaces leucine 1650 with proline.
Molecular consequence: missense variant.
Genome position (GRCh38, 1-based): chr2:165,388,755, T>C. VCF-style: chr2-165388755-T-C. GRCh37 (hg19) VCF-style: chr2-166245265-T-C.
Other names: c.4949T>C, p.Leu1650Pro (NM_021007.3, NM_001040143.2, NM_001371246.1 and 1 more transcripts); short protein forms L1650P.
Identifiers: ClinVar variation 870747 (VCV000870747.46), dbSNP rs1702008435, ClinGen allele CA349037848.

ClinVar aggregate classification (germline): Pathogenic/Likely pathogenic. Review status: criteria provided, multiple submitters, no conflicts (2 of 4 stars). 4 submissions from 3 submitters: Pathogenic (1); Likely pathogenic (1). 2 of the submissions do not count toward it. Last evaluated 2024-01-24.

Conditions:
Episodic ataxia, type 9. Identifiers: MedGen C5394520, MONDO:0030064, OMIM 618924.
Complex neurodevelopmental disorder. Identifiers: Orphanet 528084, MedGen C5568766, MONDO:0100038.
Developmental and epileptic encephalopathy, 11 (DEE11). Also called: Early infantile epileptic encephalopathy 11. Identifiers: Orphanet 1934, MedGen C3150987, MONDO:0013388, OMIM 613721.

Submissions (4):

3billion
Classification: Likely pathogenic for Episodic ataxia, type 9. Last evaluated: 2024-01-24. Review status: criteria provided, single submitter. Criteria: ACMG Guidelines, 2015. Collection method: clinical testing. Allele origin: germline. Affected: yes.
Comment: The variant is not observed in the gnomAD v2.1.1 dataset. Predicted Consequence/Location: Missense variant In silico tool predictions suggest damaging effect of the variant on gene or gene product [REVEL: 0.99 (>=0.6, sensitivity 0.68 and specificity 0.92); 3Cnet: 1.00 (>=0.6, sensitivity 0.72 and precision 0.9)]. Same nucleotide change resulting in same amino acid change has been previously reported to be associated with SCN2A-related disorder (ClinVar ID: VCV000870747 /PMID: 26993267). The variant has been observed in at least two similarly affected unrelated individuals (PMID: 30165711, 32893078). The variant has been reported to co-segregate with the disease in at least 3 similarly affected relatives/individuals in the same family or similarly affected unrelated families (PMID: 30165711). Different missense changes at the same codon (p.Leu1650Ile, p.Leu1650Phe) have been reported to be associated with SCN2A-related disorder (ClinVar ID: VCV001013421, VCV001342685 /PMID: 35431799). Therefore, this variant is classified as Likely pathogenic according to the recommendation of ACMG/AMP guideline.

CeGaT Center for Human Genetics Tuebingen
Classification: Pathogenic. Last evaluated: 2017-06-01. Review status: criteria provided, single submitter. Criteria: CeGaT Center For Human Genetics Tuebingen Variant Classification Criteria Version 2. Collection method: clinical testing. Allele origin: germline. Affected: yes. Observed: 1 variant allele.

OMIM
Classification: Pathogenic for EPISODIC ATAXIA, TYPE 9. Last evaluated: 2022-12-08. Review status: no assertion criteria provided. Collection method: literature only. Allele origin: germline. Not counted in ClinVar's aggregate classification.

OMIM
Classification: Pathogenic for DEVELOPMENTAL AND EPILEPTIC ENCEPHALOPATHY 11. Last evaluated: 2022-12-08. Review status: no assertion criteria provided. Collection method: literature only. Allele origin: germline. Not counted in ClinVar's aggregate classification.

Literature cited by the submitters: PubMed 35431799 (cited by 3billion); PubMed 30165711 (cited by 3billion and OMIM); PubMed 26993267 (cited by 3billion and OMIM); PubMed 32893078 (cited by 3billion and OMIM).